The following is an entry in ClinVar:

ClinVar aggregate classification (germline): Uncertain significance (1 of 4 stars; one submission).

Conditions:
Charcot-Marie-Tooth disease axonal type 2C (HMSN2C). Also called: Charcot-Marie-Tooth Disease Type 2, TRPV4-Related (CMT2C); CHARCOT-MARIE-TOOTH DISEASE, AXONAL, AUTOSOMAL DOMINANT, TYPE 2C; Charcot-Marie-Tooth Neuropathy Type 2C. Identifiers: Orphanet 99937, MedGen C1853710, MONDO:0011633, OMIM 606071.

Allele frequency attached by ClinVar (database versions not stated): gnomAD exomes below 0.00001 and 0.00001; TOPMed below 0.00001; ExAC 0.00002.
gnomAD v4.1: 4 of 1,611,516 alleles (0.00025%); highest among the groups gnomAD compares: African/African-American, 0.0013%; no homozygotes.

Submission:

Labcorp Genetics (formerly Invitae), Labcorp
Classification: Uncertain significance for Charcot-Marie-Tooth disease axonal type 2C. Last evaluated: 2025-12-01. Review status: criteria provided, single submitter. Criteria: Invitae Variant Classification Sherloc (09022015). Collection method: clinical testing. Allele origin: germline.
Comment: This sequence change replaces isoleucine, which is neutral and non-polar, with threonine, which is neutral and polar, at codon 383 of the TRPV4 protein (p.Ile383Thr). This variant is present in population databases (rs759729089, gnomAD 0.003%). This variant has not been reported in the literature in individuals affected with TRPV4-related conditions. ClinVar contains an entry for this variant (Variation ID: 1009210). Invitae Evidence Modeling of protein sequence and biophysical properties (such as structural, functional, and spatial information, amino acid conservation, physicochemical variation, residue mobility, and thermodynamic stability) has been performed for this missense variant. However, the output from this modeling did not meet the statistical confidence thresholds required to predict the impact of this variant on TRPV4 protein function. In summary, the available evidence is currently insufficient to determine the role of this variant in disease. Therefore, it has been classified as a Variant of Uncertain Significance.

NM_021625.5(TRPV4):c.1148T>C (p.Ile383Thr)

Gene: TRPV4 (transient receptor potential cation channel subfamily V member 4; minus strand). Cytogenetic location: 12q24.11.
Variant type: single nucleotide variant.
Coding change: c.1148T>C on transcript NM_021625.5 (MANE Select); coding-DNA position 1148, T replaced by C.
Protein change: p.Ile383Thr; replaces isoleucine 383 with threonine.
Molecular consequence: missense variant.
Genome position (GRCh38, 1-based): chr12:109,798,618, A>G on the plus strand (T>C on the coding strand, the complement: TRPV4 is on the minus strand). VCF-style: chr12-109798618-A-G. GRCh37 (hg19) VCF-style: chr12-110236423-A-G.
Other names: c.1007T>C, p.Ile336Thr (NM_001177428.2, NM_001177433.2); c.1046T>C, p.Ile349Thr (NM_001177431.2); c.1148T>C, p.Ile383Thr (NM_147204.3); short protein forms I336T, I349T, I383T.
Identifiers: ClinVar variation 1009210 (VCV001009210.8), dbSNP rs759729089, ClinGen allele CA6780340.
Genomic context (GRCh38, chr12:109,798,618, plus strand): 5'-TGTGTGCAGAGGGGTACGAGTAGGTGGATCAGCTGTGCCCCCAGCCGCACACTCACCCCA[A>G]TCTTGCCCGTCTTGGCAGCCATCATGAGGGGCGAGAGGCCGTCGTTGTTGAGCACGGCCT-3'
Protein context (NP_067638.3, residues 373-393): PLMMAAKTGK[Ile383Thr]GIFQHIIRRE